The following is an entry in ClinVar:

NM_207361.6(FREM2):c.2369G>T (p.Gly790Val)

Gene: FREM2 (FRAS1 related extracellular matrix 2; plus strand). Cytogenetic location: 13q13.3.
Variant type: single nucleotide variant.
Coding change: c.2369G>T on transcript NM_207361.6 (MANE Select); coding-DNA position 2369, G replaced by T.
Protein change: p.Gly790Val; replaces glycine 790 with valine.
Molecular consequence: missense variant.
Genome position (GRCh38, 1-based): chr13:38,689,713, G>T. VCF-style: chr13-38689713-G-T. GRCh37 (hg19) VCF-style: chr13-39263850-G-T.
Other names: short protein forms G790V.
Identifiers: ClinVar variation 1933606 (VCV001933606.3), dbSNP rs1345185914, ClinGen allele CA387888680.

ClinVar aggregate classification (germline): Uncertain significance. Review status: criteria provided, multiple submitters, no conflicts (2 of 4 stars). 2 submissions from 2 submitters: Uncertain significance (2). Last evaluated 2024-03-27.

Conditions:
Fraser syndrome 2 (FRASRS2). Identifiers: MedGen C4540036, MONDO:0054738, OMIM 617666.
Isolated cryptophthalmia. Also called: ANKYLOBLEPHARON, SIMPLE; Cryptophthalmos, unilateral or bilateral, isolated. Identifiers: Orphanet 91396, MedGen C1852453, MONDO:0007410, OMIM 123570.

Allele frequency attached by ClinVar (database versions not stated): TOPMed 0.00002.
gnomAD v4.1: 9 of 1,613,892 alleles (0.00056%); highest among the groups gnomAD compares: Non-Finnish European, 0.00068%; no homozygotes.

Submissions (2):

Fulgent Genetics
Classification: Uncertain significance for Isolated cryptophthalmia; Fraser syndrome 2. Last evaluated: 2024-03-27. Review status: criteria provided, single submitter. Criteria: ACMG Guidelines, 2015. Collection method: clinical testing. Allele origin: germline.

Labcorp Genetics (formerly Invitae), Labcorp
Classification: Uncertain significance. Last evaluated: 2022-04-12. Review status: criteria provided, single submitter. Criteria: Invitae Variant Classification Sherloc (09022015). Collection method: clinical testing. Allele origin: germline.
Comment: This sequence change replaces glycine, which is neutral and non-polar, with valine, which is neutral and non-polar, at codon 790 of the FREM2 protein (p.Gly790Val). This variant is present in population databases (no rsID available, gnomAD 0.0009%). This variant has not been reported in the literature in individuals affected with FREM2-related conditions. Algorithms developed to predict the effect of missense changes on protein structure and function are either unavailable or do not agree on the potential impact of this missense change (SIFT: "Deleterious"; PolyPhen-2: "Benign"; Align-GVGD: "Class C0"). In summary, the available evidence is currently insufficient to determine the role of this variant in disease. Therefore, it has been classified as a Variant of Uncertain Significance.